The following is an entry in ClinVar:

NM_001282933.2(ZNF341):c.479C>G (p.Pro160Arg)

Gene: ZNF341 (zinc finger protein 341; plus strand). Cytogenetic location: 20q11.22.
Variant type: single nucleotide variant.
Coding change: c.479C>G on transcript NM_001282933.2 (MANE Select); coding-DNA position 479, C replaced by G.
Protein change: p.Pro160Arg; replaces proline 160 with arginine.
Molecular consequence: missense variant. On other transcripts: non-coding transcript variant (1).
Genome position (GRCh38, 1-based): chr20:33,749,062, C>G. VCF-style: chr20-33749062-C-G. GRCh37 (hg19) VCF-style: chr20-32336868-C-G.
Other names: c.209C>G, p.Pro70Arg (NM_001282935.2); c.479C>G, p.Pro160Arg (NM_032819.5); short protein forms P70R, P160R.
Identifiers: ClinVar variation 1949338 (VCV001949338.2), dbSNP rs141017307, ClinGen allele CA9819176.

ClinVar aggregate classification (germline): Uncertain significance (1 of 4 stars; one submission).

gnomAD v4.1: 39 of 1,613,556 alleles (0.0024%); highest among the groups gnomAD compares: South Asian, 0.0033%; no homozygotes.

Submission:

Labcorp Genetics (formerly Invitae), Labcorp
Classification: Uncertain significance. Last evaluated: 2022-07-03. Review status: criteria provided, single submitter. Criteria: Invitae Variant Classification Sherloc (09022015). Collection method: clinical testing. Allele origin: germline.
Comment: This sequence change replaces proline, which is neutral and non-polar, with arginine, which is basic and polar, at codon 160 of the ZNF341 protein (p.Pro160Arg). This variant is present in population databases (rs141017307, gnomAD 0.007%). This variant has not been reported in the literature in individuals affected with ZNF341-related conditions. Algorithms developed to predict the effect of missense changes on protein structure and function (SIFT, PolyPhen-2, Align-GVGD) all suggest that this variant is likely to be tolerated. In summary, the available evidence is currently insufficient to determine the role of this variant in disease. Therefore, it has been classified as a Variant of Uncertain Significance.